The following is an entry in ClinVar:

NM_000429.3(MAT1A):c.951+4A>G

Gene: MAT1A (methionine adenosyltransferase 1A; minus strand). Cytogenetic location: 10q22.3.
Variant type: single nucleotide variant.
Coding change: c.951+4A>G on transcript NM_000429.3 (MANE Select); 4 bases into the intron after coding-DNA position 951, A replaced by G.
Molecular consequence: intron variant.
Genome position (GRCh38, 1-based): chr10:80,275,013, T>C on the plus strand (A>G on the coding strand, the complement: MAT1A is on the minus strand). VCF-style: chr10-80275013-T-C. GRCh37 (hg19) VCF-style: chr10-82034769-T-C.
Identifiers: ClinVar variation 2064157 (VCV002064157.4), dbSNP rs1348613862, ClinGen allele CA594711863.

ClinVar aggregate classification (germline): Uncertain significance (1 of 4 stars; one submission).

Conditions:
Hepatic methionine adenosyltransferase deficiency. Also called: Isolated Persistent Hypermethioninemia; MAT I/III DEFICIENCY; Methionine adenosyltransferase deficiency; Deficiency of methionine adenosyltransferase. Identifiers: Orphanet 168598, MedGen C0268621, MeSH C564683, MONDO:0009607, OMIM 250850.

Allele frequency attached by ClinVar (database versions not stated): gnomAD exomes below 0.00001.
gnomAD v4.1: 6 of 1,550,958 alleles (0.00039%); highest among the groups gnomAD compares: East Asian, 0.0049%; no homozygotes.

Submission:

Labcorp Genetics (formerly Invitae), Labcorp
Classification: Uncertain significance for Hepatic methionine adenosyltransferase deficiency. Last evaluated: 2025-09-12. Review status: criteria provided, single submitter. Criteria: Invitae Variant Classification Sherloc (09022015). Collection method: clinical testing. Allele origin: germline.
Comment: This sequence change falls in intron 7 of the MAT1A gene. It does not directly change the encoded amino acid sequence of the MAT1A protein. It affects a nucleotide within the consensus splice site. This variant is present in population databases (no rsID available, gnomAD 0.02%). This variant has not been reported in the literature in individuals affected with MAT1A-related conditions. ClinVar contains an entry for this variant (Variation ID: 2064157). Variants that disrupt the consensus splice site are a relatively common cause of aberrant splicing (PMID: 17576681, 9536098). Algorithms developed to predict the effect of sequence changes on RNA splicing suggest that this variant is not likely to affect RNA splicing. In summary, the available evidence is currently insufficient to determine the role of this variant in disease. Therefore, it has been classified as a Variant of Uncertain Significance.

Literature cited by the submitters: PubMed 17576681; PubMed 9536098.